The following is an entry in ClinVar:

ClinVar aggregate classification (germline): Uncertain significance (1 of 4 stars; one submission).

Conditions:
Episodic ataxia type 1 (EA1). Also called: ATAXIA, EPISODIC, WITH MYOKYMIA; MYOKYMIA WITH PERIODIC ATAXIA; Episodic ataxia/myokymia syndrome; PAROXYSMAL ATAXIA WITH NEUROMYOTONIA, HEREDITARY. Identifiers: Orphanet 37612, Orphanet 972, MedGen C1719788, MONDO:0008047, OMIM 160120.

Submission:

Labcorp Genetics (formerly Invitae), Labcorp
Classification: Uncertain significance for Episodic ataxia type 1. Last evaluated: 2023-08-10. Review status: criteria provided, single submitter. Criteria: Invitae Variant Classification Sherloc (09022015). Collection method: clinical testing. Allele origin: unknown.
Comment: A copy number gain of the genomic region encompassing the full coding sequence of the KCNA1 gene has been identified. The boundaries of this event are unknown as they extend beyond the assayed region for this gene and therefore may encompass additional genes. As the precise location of this event is unknown, it may be in tandem or it may be located elsewhere in the genome. This variant has not been reported in the literature in individuals affected with KCNA1-related conditions. In summary, the available evidence is currently insufficient to determine the role of this variant in disease. Therefore, it has been classified as a Variant of Uncertain Significance.

NC_000012.11:g.(?_5020545)_(5022032_?)dup

Gene: KCNA1 (potassium voltage-gated channel subfamily A member 1; plus strand). Cytogenetic location: 12p13.32.
Variant type: Duplication.
Identifiers: ClinVar variation 3244288 (VCV003244288.1).